The following is an entry in ClinVar:

ClinVar aggregate classification (germline): Uncertain significance (1 of 4 stars; one submission).

Allele frequency attached by ClinVar (database versions not stated): gnomAD exomes below 0.00001; ExAC 0.00001; ESP Exome Variant Server 0.00008.
gnomAD v4.1: 3 of 1,613,378 alleles (0.00019%); highest among the groups gnomAD compares: Non-Finnish European, 0.00025%; no homozygotes.

Submission:

Labcorp Genetics (formerly Invitae), Labcorp
Classification: Uncertain significance. Last evaluated: 2024-11-11. Review status: criteria provided, single submitter. Criteria: Invitae Variant Classification Sherloc (09022015). Collection method: clinical testing. Allele origin: germline.
Comment: This sequence change replaces threonine with isoleucine at codon 357 of the ADAMTS17 protein (p.Thr357Ile). The threonine residue is highly conserved and there is a moderate physicochemical difference between threonine and isoleucine. This variant is present in population databases (rs374167548, gnomAD 0.0009%). This variant has not been reported in the literature in individuals affected with ADAMTS17-related conditions. ClinVar contains an entry for this variant (Variation ID: 1518419). An algorithm developed to predict the effect of missense changes on protein structure and function (PolyPhen-2) suggests that this variant is likely to be disruptive. In summary, the available evidence is currently insufficient to determine the role of this variant in disease. Therefore, it has been classified as a Variant of Uncertain Significance.

NM_139057.4(ADAMTS17):c.1070C>T (p.Thr357Ile)

Gene: ADAMTS17 (ADAM metallopeptidase with thrombospondin type 1 motif 17; minus strand). Cytogenetic location: 15q26.3.
Variant type: single nucleotide variant.
Coding change: c.1070C>T on transcript NM_139057.4 (MANE Select); coding-DNA position 1070, C replaced by T.
Protein change: p.Thr357Ile; replaces threonine 357 with isoleucine.
Molecular consequence: missense variant.
Genome position (GRCh38, 1-based): chr15:100,254,141, G>A on the plus strand (C>T on the coding strand, the complement: ADAMTS17 is on the minus strand). VCF-style: chr15-100254141-G-A. GRCh37 (hg19) VCF-style: chr15-100794346-G-A.
Other names: short protein forms T357I.
Identifiers: ClinVar variation 1518419 (VCV001518419.5), dbSNP rs374167548, ClinGen allele CA7758412.